The following is an entry in ClinVar:

NM_206926.2(SELENON):c.436-8C>A

Gene: SELENON (selenoprotein N; plus strand). Cytogenetic location: 1p36.11.
Variant type: single nucleotide variant.
Coding change: c.436-8C>A on transcript NM_206926.2 (MANE Select); 8 bases into the intron before coding-DNA position 436, C replaced by A.
Molecular consequence: intron variant.
Genome position (GRCh38, 1-based): chr1:25,808,572, C>A. VCF-style: chr1-25808572-C-A. GRCh37 (hg19) VCF-style: chr1-26135063-C-A.
Other names: c.538-8C>A (NM_020451.3).
Identifiers: ClinVar variation 1947285 (VCV001947285.2), dbSNP rs538835367, ClinGen allele CA696551.

ClinVar aggregate classification (germline): Uncertain significance (1 of 4 stars; one submission).

Conditions:
Eichsfeld type congenital muscular dystrophy (CMYO3). Also called: MYOPATHY, SEPN1-RELATED; Rigid spine muscular dystrophy 1; SELENON-related myopathy; Congenital myopathy 3 with rigid spine. Identifiers: MedGen C0410180, MONDO:0100100, OMIM 602771.

gnomAD v4.1: 16 of 1,613,024 alleles (0.00099%); highest among the groups gnomAD compares: Admixed American, 0.027%; no homozygotes.

Submission:

Labcorp Genetics (formerly Invitae), Labcorp
Classification: Uncertain significance for Eichsfeld type congenital muscular dystrophy. Last evaluated: 2022-07-28. Review status: criteria provided, single submitter. Criteria: Invitae Variant Classification Sherloc (09022015). Collection method: clinical testing. Allele origin: germline.
Comment: This sequence change falls in intron 4 of the SELENON gene. It does not directly change the encoded amino acid sequence of the SELENON protein. This variant is present in population databases (rs538835367, gnomAD 0.04%). This variant has not been reported in the literature in individuals affected with SELENON-related conditions. Algorithms developed to predict the effect of sequence changes on RNA splicing suggest that this variant may disrupt the consensus splice site. In summary, the available evidence is currently insufficient to determine the role of this variant in disease. Therefore, it has been classified as a Variant of Uncertain Significance.